The following is an entry in ClinVar:

NM_006531.5(IFT88):c.1177T>G (p.Ser393Ala)

Gene: IFT88 (intraflagellar transport 88; plus strand). Cytogenetic location: 13q12.11.
Variant type: single nucleotide variant.
Coding change: c.1177T>G on transcript NM_006531.5 (MANE Select); coding-DNA position 1177, T replaced by G.
Protein change: p.Ser393Ala; replaces serine 393 with alanine.
Molecular consequence: missense variant. On other transcripts: non-coding transcript variant (5), intron variant (1).
Genome position (GRCh38, 1-based): chr13:20,615,857, T>G. VCF-style: chr13-20615857-T-G. GRCh37 (hg19) VCF-style: chr13-21189996-T-G.
Other names: c.1120T>G, p.Ser374Ala (NM_001318491.2, NM_001353575.2); c.1204T>G, p.Ser402Ala (NM_001318493.2, NM_001353565.2, NM_001353566.2 and 2 more transcripts); c.1177T>G, p.Ser393Ala (NM_001353568.2, NM_001353572.2); c.1102T>G, p.Ser368Ala (NM_001353569.2, NM_001353570.2, NM_001353576.2 and 1 more transcripts); c.1075T>G, p.Ser359Ala (NM_001353571.2, NM_001353578.2); c.1018T>G, p.Ser340Ala (NM_001353574.2); c.544T>G, p.Ser182Ala (NM_001353579.2); c.1056-9893T>G (NM_001353573.2); short protein forms S340A, S359A, S368A, S374A, S393A, S402A, S182A.
Identifiers: ClinVar variation 4710534 (VCV004710534.1).

ClinVar aggregate classification (germline): Uncertain significance (1 of 4 stars; one submission).

Submission:

Labcorp Genetics (formerly Invitae), Labcorp
Classification: Uncertain significance. Last evaluated: 2025-12-04. Review status: criteria provided, single submitter. Criteria: Invitae Variant Classification Sherloc (09022015). Collection method: clinical testing. Allele origin: germline.
Comment: This sequence change replaces serine, which is neutral and polar, with alanine, which is neutral and non-polar, at codon 402 of the IFT88 protein (p.Ser402Ala). This variant is not present in population databases (gnomAD no frequency). This variant has not been reported in the literature in individuals affected with IFT88-related conditions. Experimental studies and prediction algorithms are not available or were not evaluated, and the functional significance of this variant is currently unknown. In summary, the available evidence is currently insufficient to determine the role of this variant in disease. Therefore, it has been classified as a Variant of Uncertain Significance.